The following is an entry in ClinVar:

ClinVar aggregate classification (germline): Pathogenic. Review status: criteria provided, multiple submitters, no conflicts (2 of 4 stars). 3 submissions from 3 submitters: Pathogenic (2). 1 of the submissions does not count toward it. Last evaluated 2024-08-07.

Conditions:
Niemann-Pick disease, type B. Also called: Chronic Visceral ASMD (Niemann-Pick Disease Type B; NPD-B). Identifiers: Orphanet 77293, MedGen C0268243, MONDO:0011871, OMIM 607616. Disease mechanism: loss of function.
Niemann-Pick disease, type A. Also called: SPHINGOMYELIN LIPIDOSIS; SPHINGOMYELINASE DEFICIENCY; Infantile Neurovisceral ASMD (Niemann-Pick Disease Type A; NPD-A). Identifiers: Orphanet 77292, MedGen C0268242, MONDO:0009756, OMIM 257200. Disease mechanism: loss of function.

Submissions (3):

Natera, Inc.
Classification: Pathogenic for Niemann-Pick Disease, Types A/B. Last evaluated: 2024-08-07. Review status: criteria provided, single submitter. Criteria: Natera Variant Classification Schema (03/2026). Collection method: clinical testing. Allele origin: germline.
Comment: The c.581delC variant in SMPD1 is a frameshift variant predicted to shift the reading frame beginning at codon 194 and leads to a stop codon 63 codons downstream. This variant is expected to result in nonsense mediated decay, truncation, or a dysfunctional protein product. This variant is rare in the general population with a frequency below the threshold expected for the associated phenotype(s). This variant has been observed in one or more individuals affected with the associated recessive disease, as either homozygous or compound heterozygous with a second variant (PMID: 15221801). Given the available evidence, this variant is classified as Pathogenic.

Labcorp Genetics (formerly Invitae), Labcorp
Classification: Pathogenic for Niemann-Pick disease, type B; Niemann-Pick disease, type A. Last evaluated: 2023-11-25. Review status: criteria provided, single submitter. Criteria: Invitae Variant Classification Sherloc (09022015). Collection method: clinical testing. Allele origin: germline.
Comment: This sequence change creates a premature translational stop signal (p.Pro194Glnfs*63) in the SMPD1 gene. It is expected to result in an absent or disrupted protein product. Loss-of-function variants in SMPD1 are known to be pathogenic (PMID: 12369017, 15221801). This variant is not present in population databases (gnomAD no frequency). This premature translational stop signal has been observed in individual(s) with Niemann-Pick disease (PMID: 15221801, 30795770). This variant is also known as c.575delC (p.P192fsX62). ClinVar contains an entry for this variant (Variation ID: 371211). For these reasons, this variant has been classified as Pathogenic.

Counsyl
Classification: Likely pathogenic for Niemann-Pick disease, type A. Last evaluated: 2016-07-29. Review status: no assertion criteria provided. Collection method: clinical testing. Allele origin: unknown. Not counted in ClinVar's aggregate classification.

Literature cited by the submitters: PubMed 15221801 (cited by 3 submitters); PubMed 12369017 (cited by Labcorp Genetics (formerly Invitae), Labcorp); PubMed 30795770 (cited by Labcorp Genetics (formerly Invitae), Labcorp).

NM_000543.5(SMPD1):c.581del (p.Pro194fs)

Gene: SMPD1 (sphingomyelin phosphodiesterase 1; plus strand). Cytogenetic location: 11p15.4.
Variant type: Deletion.
Coding change: c.581del on transcript NM_000543.5 (MANE Select); coding-DNA position 581, one base deleted (C; older notation c.581delC).
Protein change: p.Pro194fs; shifts the reading frame from proline 194.
Molecular consequence: frameshift variant. On other transcripts: 5 prime UTR variant (1), non-coding transcript variant (1).
Genome position (GRCh38, 1-based): chr11:6,391,646, C deleted; the last of 6 consecutive C bases (chr11:6,391,641-6,391,646); deleting any one gives the same sequence. VCF-style (leftmost placement, unchanged base first): chr11-6391640-GC-G. GRCh37 (hg19) VCF-style: chr11-6412870-GC-G.
Other names: c.578del, p.Pro193fs (NM_001007593.3); c.581del, p.Pro194fs (NM_001318087.2, NM_001365135.2); c.-381del (NM_001318088.2); short protein forms P193fs, P194fs.
Identifiers: ClinVar variation 371211 (VCV000371211.7), dbSNP rs748165078, ClinGen allele CA5852636.